The following is an entry in ClinVar:

NM_001394372.1(BICRA):c.656A>G (p.Asn219Ser)

Gene: BICRA (BRD4 interacting chromatin remodeling complex associated protein; plus strand). Cytogenetic location: 19q13.33.
Variant type: single nucleotide variant.
Coding change: c.656A>G on transcript NM_001394372.1 (MANE Select); coding-DNA position 656, A replaced by G.
Protein change: p.Asn219Ser; replaces asparagine 219 with serine.
Molecular consequence: missense variant.
Genome position (GRCh38, 1-based): chr19:47,679,826, A>G. VCF-style: chr19-47679826-A-G. GRCh37 (hg19) VCF-style: chr19-48183083-A-G.
Other names: c.656A>G, p.Asn219Ser (NM_015711.3); short protein forms N219S.
Identifiers: ClinVar variation 2592235 (VCV002592235.4), dbSNP rs565570206, ClinGen allele CA9541600.

ClinVar aggregate classification (germline): Uncertain significance. Review status: criteria provided, single submitter (1 of 4 stars). 2 submissions from 2 submitters: Uncertain significance (1). 1 of the submissions does not count toward it. Last evaluated 2023-08-02.

Conditions:
BICRA-related disorder. Also called: BICRA-related condition.

Allele frequency attached by ClinVar (database versions not stated): gnomAD exomes 0.00002; 1000 Genomes Project 30x 0.00016; 1000 Genomes Project 0.00020; TOPMed 0.00029; gnomAD 0.00037.
gnomAD v4.1: 79 of 1,486,912 alleles (0.0053%); highest among the groups gnomAD compares: African/African-American, 0.099%; no homozygotes.

Submissions (2):

Ambry Genetics
Classification: Uncertain significance. Last evaluated: 2023-08-02. Review status: criteria provided, single submitter. Criteria: Ambry Variant Classification Scheme 2023. Collection method: clinical testing. Allele origin: germline.

PreventionGenetics, part of Exact Sciences
Classification: Likely benign for BICRA-related condition. Last evaluated: 2022-07-08. Review status: no assertion criteria provided. Collection method: clinical testing. Allele origin: germline. Not counted in ClinVar's aggregate classification.
Comment: This variant is classified as likely benign based on ACMG/AMP sequence variant interpretation guidelines (Richards et al. 2015 PMID: 25741868, with internal and published modifications).